The following is an entry in ClinVar:

NM_000391.4(TPP1):c.625T>C (p.Tyr209His)

Gene: TPP1 (tripeptidyl peptidase 1; minus strand). Cytogenetic location: 11p15.4.
Variant type: single nucleotide variant.
Coding change: c.625T>C on transcript NM_000391.4 (MANE Select); coding-DNA position 625, T replaced by C.
Protein change: p.Tyr209His; replaces tyrosine 209 with histidine.
Molecular consequence: missense variant.
Genome position (GRCh38, 1-based): chr11:6,617,037, A>G on the plus strand (T>C on the coding strand, the complement: TPP1 is on the minus strand). VCF-style: chr11-6617037-A-G. GRCh37 (hg19) VCF-style: chr11-6638268-A-G.
Other names: short protein forms Y209H.
Identifiers: ClinVar variation 3769352 (VCV003769352.2).

ClinVar aggregate classification (germline): Uncertain significance (1 of 4 stars; one submission).

Submission:

Women's Health and Genetics/Laboratory Corporation of America, LabCorp
Classification: Uncertain significance. Last evaluated: 2025-01-28. Review status: criteria provided, single submitter. Criteria: LabCorp Variant Classification Summary - May 2015. Collection method: clinical testing. Allele origin: germline.
Comment: Variant summary: TPP1 c.625T>C (p.Tyr209His) results in a conservative amino acid change located in the Sedolisin domain profile (IPR030400) of the encoded protein sequence. Four of five in-silico tools predict a damaging effect of the variant on protein function. The variant allele was found at a frequency of 4e-06 in 251266 control chromosomes. c.625T>C has been reported in the literature in at-least one homozygous individual affected with Neuronal Ceroid-Lipofuscinosis (Batten Disease) (example: Kousi_2011). These data indicate that the variant may be associated with disease. To our knowledge, no experimental evidence demonstrating an impact on protein function has been reported. The following publication has been ascertained in the context of this evaluation (PMID: 21990111). No submitters have cited clinical-significance assessments for this variant to ClinVar. Based on the evidence outlined above, the variant was classified as VUS-possibly pathogenic.

Literature cited by the submitters: PubMed 21990111.